The following is an entry in ClinVar:

NM_002880.4(RAF1):c.828G>T (p.Met276Ile)

Gene: RAF1 (Raf-1 proto-oncogene, serine/threonine kinase; minus strand). Cytogenetic location: 3p25.2.
Variant type: single nucleotide variant.
Coding change: c.828G>T on transcript NM_002880.4 (MANE Select); coding-DNA position 828, G replaced by T.
Protein change: p.Met276Ile; replaces methionine 276 with isoleucine.
Molecular consequence: missense variant. On other transcripts: non-coding transcript variant (3).
Genome position (GRCh38, 1-based): chr3:12,604,142, C>A on the plus strand (G>T on the coding strand, the complement: RAF1 is on the minus strand). VCF-style: chr3-12604142-C-A. GRCh37 (hg19) VCF-style: chr3-12645641-C-A.
Other names: c.828G>T, p.Met276Ile (NM_001354689.3, NM_001354690.3); c.585G>T, p.Met195Ile (NM_001354691.3, NM_001354692.3, NM_001354694.3); c.729G>T, p.Met243Ile (NM_001354693.3); c.486G>T, p.Met162Ile (NM_001354695.3); short protein forms M162I, M195I, M243I, M276I.
Identifiers: ClinVar variation 3032984 (VCV003032984.2), dbSNP rs2125396985, ClinGen allele CA351511934.

ClinVar aggregate classification (germline): Uncertain significance (0 of 4 stars; one submission).

Conditions:
RAF1-related disorder. Also called: RAF1-related condition; RAF1-related disorders.

Submission:

PreventionGenetics, part of Exact Sciences
Classification: Uncertain significance for RAF1-related condition. Last evaluated: 2023-12-18. Review status: no assertion criteria provided. Collection method: clinical testing. Allele origin: germline.
Comment: The RAF1 c.828G>T variant is predicted to result in the amino acid substitution p.Met276Ile. To our knowledge, this variant has not been reported in the literature or in a large population database, indicating this variant is rare. At this time, the clinical significance of this variant is uncertain due to the absence of conclusive functional and genetic evidence.